The following is an entry in ClinVar:

ClinVar aggregate classification (germline): Conflicting classifications of pathogenicity. Review status: criteria provided, conflicting classifications (1 of 4 stars). 3 submissions from 3 submitters: Uncertain significance (1); Likely benign (2). Last evaluated 2026-07-01.

Conditions:
FBXW7-related disorder. Also called: FBXW7-related disorders; FBXW7-related condition.

gnomAD v4.1: 686 of 1,542,602 alleles (0.044%); highest among the groups gnomAD compares: Admixed American, 0.086%; no homozygotes.

Submissions (3):

CeGaT Center for Human Genetics Tuebingen
Classification: Likely benign. Last evaluated: 2026-07-01. Review status: criteria provided, single submitter. Criteria: CeGaT Center For Human Genetics Tuebingen Variant Classification Criteria Version 2. Collection method: clinical testing. Allele origin: germline. Affected: yes. Observed: 3 variant alleles.
Comment: FBXW7: BS1

PreventionGenetics, part of Exact Sciences
Classification: Likely benign for FBXW7-related condition. Last evaluated: 2026-01-14. Review status: criteria provided, single submitter. Criteria: ACMG Guidelines, 2015. Collection method: clinical testing. Allele origin: germline.
Comment: This variant is classified as likely benign based on ACMG/AMP sequence variant interpretation guidelines (Richards et al. 2015 PMID: 25741868, with internal and published modifications).

Labcorp Genetics (formerly Invitae), Labcorp
Classification: Uncertain significance. Last evaluated: 2025-10-11. Review status: criteria provided, single submitter. Criteria: Invitae Variant Classification Sherloc (09022015). Collection method: clinical testing. Allele origin: germline.
Comment: This sequence change replaces glutamic acid, which is acidic and polar, with alanine, which is neutral and non-polar, at codon 192 of the FBXW7 protein (p.Glu192Ala). This variant is present in population databases (rs201015633, gnomAD 0.05%), and has an allele count higher than expected for a pathogenic variant. This variant has not been reported in the literature in individuals affected with FBXW7-related conditions. ClinVar contains an entry for this variant (Variation ID: 3671312). An algorithm developed to predict the effect of missense changes on protein structure and function (PolyPhen-2) suggests that this variant is likely to be tolerated. In summary, the available evidence is currently insufficient to determine the role of this variant in disease. Therefore, it has been classified as a Variant of Uncertain Significance.

NM_001349798.2(FBXW7):c.575A>C (p.Glu192Ala)

Gene: FBXW7 (F-box and WD repeat domain containing 7; minus strand). Cytogenetic location: 4q31.3.
Variant type: single nucleotide variant.
Coding change: c.575A>C on transcript NM_001349798.2 (MANE Select); coding-DNA position 575, A replaced by C.
Protein change: p.Glu192Ala; replaces glutamic acid 192 with alanine.
Molecular consequence: missense variant.
Genome position (GRCh38, 1-based): chr4:152,350,051, T>G on the plus strand (A>C on the coding strand, the complement: FBXW7 is on the minus strand). VCF-style: chr4-152350051-T-G. GRCh37 (hg19) VCF-style: chr4-153271203-T-G.
Other names: c.221A>C, p.Glu74Ala (NM_001013415.2); c.335A>C, p.Glu112Ala (NM_018315.5); c.575A>C, p.Glu192Ala (NM_033632.3); short protein forms E74A, E112A, E192A.
Identifiers: ClinVar variation 3671312 (VCV003671312.5).
Genomic context (GRCh38, chr4:152,350,051, plus strand): 5'-TCAACTCTAAAAAACTGAGAATCATGAGATAATCATTATATTTAATATTACCTTGTATAT[T>G]CTGAGACTTTGCATGGTTTCTTTCCCAAAGAAAAAGAGCGGACCTCAGAACCATGGTCCA-3'
Protein context (NP_001336727.1, residues 182-202): SLGKKPCKVS[Glu192Ala]YTSTTGLVPC